The following is an entry in ClinVar:

ClinVar aggregate classification (germline): Uncertain significance. Review status: criteria provided, multiple submitters, no conflicts (2 of 4 stars). 2 submissions from 2 submitters: Uncertain significance (2). Last evaluated 2024-09-03.

Conditions:
Cardiovascular phenotype. Identifiers: MedGen CN230736.

Allele frequency attached by ClinVar (database versions not stated): gnomAD 0.00001.

Submissions (2):

Blueprint Genetics
Classification: Uncertain significance. Last evaluated: 2024-09-03. Review status: criteria provided, single submitter. Criteria: ACMG Guidelines, 2015. Collection method: clinical testing. Allele origin: germline.

Ambry Genetics
Classification: Uncertain significance for Cardiovascular phenotype. Last evaluated: 2019-05-13. Review status: criteria provided, single submitter. Criteria: Ambry Variant Classification Scheme 2023. Collection method: clinical testing. Allele origin: germline.
Comment: The p.R473G variant (also known as c.1417A>G), located in coding exon 10 of the NEXN gene, results from an A to G substitution at nucleotide position 1417. The arginine at codon 473 is replaced by glycine, an amino acid with dissimilar properties. This amino acid position is not well conserved in available vertebrate species. In addition, this alteration is predicted to be tolerated by in silico analysis. Since supporting evidence is limited at this time, the clinical significance of this alteration remains unclear.

NM_144573.4(NEXN):c.1417A>G (p.Arg473Gly)

Gene: NEXN (nexilin F-actin binding protein; plus strand). Cytogenetic location: 1p31.1.
Variant type: single nucleotide variant.
Coding change: c.1417A>G on transcript NM_144573.4 (MANE Select); coding-DNA position 1417, A replaced by G.
Protein change: p.Arg473Gly; replaces arginine 473 with glycine.
Molecular consequence: missense variant.
Genome position (GRCh38, 1-based): chr1:77,935,988, A>G. VCF-style: chr1-77935988-A-G. GRCh37 (hg19) VCF-style: chr1-78401673-A-G.
Other names: c.1225A>G, p.Arg409Gly (NM_001172309.2); short protein forms R409G, R473G.
Identifiers: ClinVar variation 1772153 (VCV001772153.3), dbSNP rs1238533173, ClinGen allele CA340879297.